The following is an entry in ClinVar:

ClinVar aggregate classification (germline): Uncertain significance. Review status: criteria provided, multiple submitters, no conflicts (2 of 4 stars). 2 submissions from 2 submitters: Uncertain significance (2). Last evaluated 2024-08-19.

Conditions:
Severe myoclonic epilepsy in infancy (DRVT). Also called: DEVELOPMENTAL AND EPILEPTIC ENCEPHALOPATHY 6A; Severe Myoclonic Epilepsy in Infancy (SMEI); Epileptic encephalopathy, early infantile, 6 (Dravet syndrome); SEVERE MYOCLONIC EPILEPSY OF INFANCY; Dravet syndrome. Identifiers: Orphanet 33069, MedGen C0751122, MONDO:0100135, OMIM 607208.
Inborn genetic diseases. Identifiers: MedGen C0950123, MeSH D030342.

Allele frequency attached by ClinVar (database versions not stated): gnomAD 0.00001; gnomAD exomes 0.00001.
gnomAD v4.1: 12 of 1,424,160 alleles (0.00084%); highest among the groups gnomAD compares: South Asian, 0.0094%; no homozygotes.

Submissions (2):

Ambry Genetics
Classification: Uncertain significance for Inborn genetic diseases. Last evaluated: 2024-08-19. Review status: criteria provided, single submitter. Criteria: Ambry Variant Classification Scheme 2023. Collection method: clinical testing. Allele origin: germline.

Labcorp Genetics (formerly Invitae), Labcorp
Classification: Uncertain significance for Severe myoclonic epilepsy in infancy. Last evaluated: 2022-03-15. Review status: criteria provided, single submitter. Criteria: Invitae Variant Classification Sherloc (09022015). Collection method: clinical testing. Allele origin: germline.
Comment: This sequence change replaces glycine, which is neutral and non-polar, with arginine, which is basic and polar, at codon 87 of the SNX27 protein (p.Gly87Arg). The frequency data for this variant in the population databases is considered unreliable, as metrics indicate poor data quality at this position in the gnomAD database. This variant has not been reported in the literature in individuals affected with SNX27-related conditions. Algorithms developed to predict the effect of missense changes on protein structure and function are either unavailable or do not agree on the potential impact of this missense change (SIFT: "Deleterious"; PolyPhen-2: "Probably Damaging"; Align-GVGD: "Class C0"). In summary, the available evidence is currently insufficient to determine the role of this variant in disease. Therefore, it has been classified as a Variant of Uncertain Significance.

NM_001330723.2(SNX27):c.259G>C (p.Gly87Arg)

Gene: SNX27 (sorting nexin 27; plus strand). Cytogenetic location: 1q21.3.
Variant type: single nucleotide variant.
Coding change: c.259G>C on transcript NM_001330723.2 (MANE Select); coding-DNA position 259, G replaced by C.
Protein change: p.Gly87Arg; replaces glycine 87 with arginine.
Molecular consequence: missense variant.
Genome position (GRCh38, 1-based): chr1:151,612,460, G>C. VCF-style: chr1-151612460-G-C. GRCh37 (hg19) VCF-style: chr1-151584936-G-C.
Other names: c.259G>C, p.Gly87Arg (NM_030918.6); c.259G>C (NM_030918.5); short protein forms G87R.
Identifiers: ClinVar variation 1399302 (VCV001399302.6), dbSNP rs750944911, ClinGen allele CA1093366.